The following is an entry in ClinVar:

ClinVar aggregate classification (germline): Uncertain significance (1 of 4 stars; one submission).

Conditions:
Retinitis pigmentosa 74 (RP74). Identifiers: Orphanet 791, MedGen C4225281, MONDO:0014692, OMIM 616562.
Bardet-Biedl syndrome 2 (BBS2). Identifiers: Orphanet 110, MedGen C2936863, MONDO:0014432, OMIM 615981.

gnomAD v4.1: 2 of 1,614,078 alleles (0.00012%); highest among the groups gnomAD compares: East Asian, 0.0022%; no homozygotes.

Submission:

Juno Genomics, Hangzhou Juno Genomics, Inc
Classification: Uncertain significance for Bardet-Biedl syndrome 2; Retinitis pigmentosa 74. Review status: criteria provided, single submitter. Criteria: ACMG Guidelines, 2015. Collection method: clinical testing. Allele origin: germline.
Comment: Absent from controls (or at extremely low frequency if recessive) in Genome Aggregation Database.;Multiple lines of computational evidence support a deleterious effect on the gene or gene product.

NM_031885.5(BBS2):c.1331C>G (p.Pro444Arg)

Gene: BBS2 (Bardet-Biedl syndrome 2; minus strand). Cytogenetic location: 16q13.
Variant type: single nucleotide variant.
Coding change: c.1331C>G on transcript NM_031885.5 (MANE Select); coding-DNA position 1331, C replaced by G.
Protein change: p.Pro444Arg; replaces proline 444 with arginine.
Molecular consequence: missense variant. On other transcripts: non-coding transcript variant (2).
Genome position (GRCh38, 1-based): chr16:56,500,920, G>C on the plus strand (C>G on the coding strand, the complement: BBS2 is on the minus strand). VCF-style: chr16-56500920-G-C. GRCh37 (hg19) VCF-style: chr16-56534832-G-C.
Other names: c.1331C>G, p.Pro444Arg (NM_001377456.1); short protein forms P444R.
Identifiers: ClinVar variation 5005600 (VCV005005600.2).